The following is an entry in ClinVar:

ClinVar aggregate classification (germline): Uncertain significance. Review status: criteria provided, multiple submitters, no conflicts (2 of 4 stars). 3 submissions from 3 submitters: Uncertain significance (3). Last evaluated 2025-10-03.

Conditions:
Familial thoracic aortic aneurysm and aortic dissection (TAAD). Also called: Thoracic aortic aneurysms and dissections. Identifiers: Orphanet 91387, MedGen C4707243, MONDO:0019625.
Congenital contractural arachnodactyly (CCA). Also called: Beals-Hecht syndrome; BEALS SYNDROME; Arthrogryposis, distal, type 9. Identifiers: Orphanet 115, MedGen C0220668, MONDO:0007363, OMIM 121050.

Allele frequency attached by ClinVar (database versions not stated): gnomAD exomes below 0.00001; TOPMed 0.00002.

Submissions (3):

Labcorp Genetics (formerly Invitae), Labcorp
Classification: Uncertain significance for Congenital contractural arachnodactyly. Last evaluated: 2025-10-03. Review status: criteria provided, single submitter. Criteria: Invitae Variant Classification Sherloc (09022015). Collection method: clinical testing. Allele origin: germline.
Comment: This sequence change replaces cysteine, which is neutral and slightly polar, with glycine, which is neutral and non-polar, at codon 2558 of the FBN2 protein (p.Cys2558Gly). This variant is present in population databases (no rsID available, gnomAD 0.0009%). This variant has not been reported in the literature in individuals affected with FBN2-related conditions. ClinVar contains an entry for this variant (Variation ID: 213363). Invitae Evidence Modeling of protein sequence and biophysical properties (such as structural, functional, and spatial information, amino acid conservation, physicochemical variation, residue mobility, and thermodynamic stability) indicates that this missense variant is expected to disrupt FBN2 protein function with a positive predictive value of 80%. In summary, the available evidence is currently insufficient to determine the role of this variant in disease. Therefore, it has been classified as a Variant of Uncertain Significance.

Ambry Genetics
Classification: Uncertain significance for Familial thoracic aortic aneurysm and aortic dissection. Last evaluated: 2021-03-19. Review status: criteria provided, single submitter. Criteria: Ambry Variant Classification Scheme 2023. Collection method: clinical testing. Allele origin: germline.

GeneDx
Classification: Uncertain significance. Last evaluated: 2017-08-23. Review status: criteria provided, single submitter. Criteria: GeneDx Variant Classification (06012015). Collection method: clinical testing. Allele origin: germline. Affected: yes.
Comment: The C2558G variant has not been published as a pathogenic variant, nor has it been reported as a benign variant to our knowledge. This variant was not observed in approximately 6,500 individuals of European and African American ancestry in the NHLBI Exome Sequencing Project, indicating it is not a common benign variant in these populations. The C2558G variant is a non-conservative amino acid substitution, which is likely to impact secondary protein structure as these residues differ in polarity, charge, size and/or other properties. This substitution occurs at a position that is conserved across species in silico analysis predicts this variant is probably damaging to the protein structure/function. Furthermore, the C2558G variant affects a Cysteine residue within a calcium binding EGF-like domain of the FBN2 gene, which may affect disulfide bonding and is predicted to alter the structure and function of the protein. Cysteine substitutions in the calcium-binding EGF-like domains represent the majority of pathogenic missense changes associated with congenital contractural arachnodactyly (Collod-Beroud et al., 2003; FrÃ©dÃ©ric et al., 2009). However, missense variants in nearby residues have not been reported in the Human Gene Mutation Database. Therefore, based on the currently available information, it is unclear whether this variant is pathogenic or rare benign.

NM_001999.4(FBN2):c.7672T>G (p.Cys2558Gly)

Gene: FBN2 (fibrillin 2; minus strand). Cytogenetic location: 5q23.3.
Variant type: single nucleotide variant.
Coding change: c.7672T>G on transcript NM_001999.4 (MANE Select); coding-DNA position 7672, T replaced by G.
Protein change: p.Cys2558Gly; replaces cysteine 2558 with glycine.
Molecular consequence: missense variant.
Genome position (GRCh38, 1-based): chr5:128,274,606, A>C on the plus strand (T>G on the coding strand, the complement: FBN2 is on the minus strand). VCF-style: chr5-128274606-A-C. GRCh37 (hg19) VCF-style: chr5-127610298-A-C.
Other names: short protein forms C2558G.
Identifiers: ClinVar variation 213363 (VCV000213363.7), dbSNP rs863223589, ClinGen allele CA320723.